The following is an entry in ClinVar:

NM_000384.3(APOB):c.6443A>T (p.Lys2148Met)

Gene: APOB (apolipoprotein B; minus strand). Cytogenetic location: 2p24.1.
Variant type: single nucleotide variant.
Coding change: c.6443A>T on transcript NM_000384.3 (MANE Select); coding-DNA position 6443, A replaced by T.
Protein change: p.Lys2148Met; replaces lysine 2148 with methionine.
Molecular consequence: missense variant.
Genome position (GRCh38, 1-based): chr2:21,010,425, T>A on the plus strand (A>T on the coding strand, the complement: APOB is on the minus strand). VCF-style: chr2-21010425-T-A. GRCh37 (hg19) VCF-style: chr2-21233297-T-A.
Other names: short protein forms K2148M.
Identifiers: ClinVar variation 657187 (VCV000657187.15), dbSNP rs1011350296, ClinGen allele CA43505378.
Genomic context (GRCh38, chr2:21,010,425, plus strand): 5'-TTAAAGTTGATTTTGGCATCATCTAATGCAATTTGTATATCATTTTCTGTAATTCTATAC[T>A]TTTTTGTGAGAGCAGTCAGTTTCTCCTTGGCATGTGAAACTTGTCTCTCCCAATTGAATG-3'
Protein context (NP_000375.3, residues 2138-2158): AKEKLTALTK[Lys2148Met]YRITENDIQI

ClinVar aggregate classification (germline): Uncertain significance. Review status: criteria provided, multiple submitters, no conflicts (2 of 4 stars). 2 submissions from 2 submitters: Uncertain significance (2). Last evaluated 2019-05-07.

Conditions:
Familial hypobetalipoproteinemia 1. Also called: Hypobetalipoproteinemia, normotriglyceridemic; Acanthocytosis with hypobetalipoproteinemia; APOB-Related Familial Hypobetalipoproteinemia. Identifiers: MedGen C4551990, MONDO:0014252, OMIM 615558.
Hypercholesterolemia, autosomal dominant, type B (FHCL2). Also called: Familial Hypercholesterolemia Type B; APOLIPOPROTEIN B-100, FAMILIAL DEFECTIVE; APOLIPOPROTEIN B-100, FAMILIAL LIGAND-DEFECTIVE; HYPERCHOLESTEROLEMIA, FAMILIAL, DUE TO LIGAND-DEFECTIVE APOLIPOPROTEIN B; Familial hypercholesterolemia 2; APOB-Related Familial Hypercholesterolemia, Autosomal Dominant. Identifiers: MedGen C1704417, MONDO:0007751, OMIM 144010.

gnomAD v4.1: 2 of 1,603,004 alleles (0.00012%); highest among the groups gnomAD compares: Non-Finnish European, 0.00017%; no homozygotes.

Submissions (2):

GeneDx
Classification: Uncertain significance. Last evaluated: 2019-05-07. Review status: criteria provided, single submitter. Criteria: GeneDx Variant Classification Process June 2021. Collection method: clinical testing. Allele origin: germline. Affected: yes.
Comment: Has not been previously published as pathogenic or benign to our knowledge; Not observed in large population cohorts (Lek et al., 2016); In silico analysis, which includes protein predictors and evolutionary conservation, supports that this variant does not alter protein structure/function

Labcorp Genetics (formerly Invitae), Labcorp
Classification: Uncertain significance for Familial hypobetalipoproteinemia 1; Hypercholesterolemia, autosomal dominant, type B. Last evaluated: 2018-07-21. Review status: criteria provided, single submitter. Criteria: Invitae Variant Classification Sherloc (09022015). Collection method: clinical testing. Allele origin: germline.
Comment: In summary, the available evidence is currently insufficient to determine the role of this variant in disease. Therefore, it has been classified as a Variant of Uncertain Significance. Algorithms developed to predict the effect of missense changes on protein structure and function are either unavailable or do not agree on the potential impact of this missense change (SIFT: "Deleterious"; PolyPhen-2: "Possibly Damaging"; Align-GVGD: "Class C0"). This variant has not been reported in the literature in individuals with APOB-related disease. This variant is not present in population databases (ExAC no frequency). This sequence change replaces lysine with methionine at codon 2148 of the APOB protein (p.Lys2148Met). The lysine residue is weakly conserved and there is a moderate physicochemical difference between lysine and methionine.